The following is an entry in ClinVar:

ClinVar aggregate classification (germline): Uncertain significance (1 of 4 stars; one submission).

Conditions:
Hereditary cancer-predisposing syndrome. Also called: Neoplastic Syndromes, Hereditary; Tumor predisposition; Hereditary Cancer Syndrome; Hereditary neoplastic syndrome. Identifiers: Orphanet 140162, MedGen C0027672, MeSH D009386, MONDO:0015356.

Submission:

Ambry Genetics
Classification: Uncertain significance for Hereditary cancer-predisposing syndrome. Last evaluated: 2017-05-15. Review status: criteria provided, single submitter. Criteria: Ambry Variant Classification Scheme 2023. Collection method: clinical testing. Allele origin: germline.
Comment: The c.1273_1281delAATCATAGA variant (also known as p.N425_R427del) is located in coding exon 4 of the BARD1 gene. This variant results from an in-frame deletion of 9 nucleotides at positions 1273 to 1281. This results in the in-frame deletion of 3 amino acids between codons 425 and 427. This amino acid region is highly conserved through mammals but not in all available vertebrate species. Since supporting evidence is limited at this time, the clinical significance of this alteration remains unclear.

NM_000465.4(BARD1):c.1273_1281del (p.Asn425_Arg427del)

Gene: BARD1 (BRCA1 associated RING domain 1; minus strand). Cytogenetic location: 2q35.
Variant type: Deletion.
Coding change: c.1273_1281del on transcript NM_000465.4 (MANE Select); coding-DNA positions 1273 to 1281, 9 bases deleted (AATCATAGA; older notation c.1273_1281delAATCATAGA).
Protein change: p.Asn425_Arg427del.
Molecular consequence: inframe deletion. On other transcripts: non-coding transcript variant (2), intron variant (3).
Genome position (GRCh38, 1-based): chr2:214,780,593-214,780,601, TCTATGATT deleted on the plus strand (AATCATAGA on the coding strand, the reverse complement: BARD1 is on the minus strand); deleting any 9 consecutive bases within chr2:214,780,593-214,780,604 gives the same sequence; the c. name uses the placement nearest the transcript's 3' end. VCF-style (leftmost placement, unchanged base first): chr2-214780592-CTCTATGATT-C. GRCh37 (hg19) VCF-style: chr2-215645316-CTCTATGATT-C.
Other names: c.1216_1224del, p.Asn406_Arg408del (NM_001282543.2); c.159-28046_159-28038del (NM_001282548.2); c.215+16460_215+16468del (NM_001282545.2); c.364+11696_364+11704del (NM_001282549.2).
Identifiers: ClinVar variation 482826 (VCV000482826.5), dbSNP rs1553622114, ClinGen allele CA658657237.
Genomic context (GRCh38, chr2:214,780,592, plus strand): 5'-AGATGGTATTTCAGAGTAAGCATCCTACCTTAATAGAAGCAATATGGAGCAAAGTCTCTC[CTCTATGATT>C]TCTTTTCACAGCCATATTGGGCAACAGCTTCATTGCTGAGGGACTAGACATCACTCGCCT-3'